The following is an entry in ClinVar:

NM_001365276.2(TNXB):c.9679G>A (p.Gly3227Arg)

Gene: TNXB (tenascin XB; minus strand). Cytogenetic location: 6p21.33.
Variant type: single nucleotide variant.
Coding change: c.9679G>A on transcript NM_001365276.2 (MANE Select); coding-DNA position 9679, G replaced by A.
Protein change: p.Gly3227Arg; replaces glycine 3227 with arginine.
Molecular consequence: missense variant.
Genome position (GRCh38, 1-based): chr6:32,049,348, C>T on the plus strand (G>A on the coding strand, the complement: TNXB is on the minus strand). VCF-style: chr6-32049348-C-T. GRCh37 (hg19) VCF-style: chr6-32017125-C-T.
Other names: c.9673G>A, p.Gly3225Arg (NM_019105.8); short protein forms G3225R, G3227R.
Identifiers: ClinVar variation 1326722 (VCV001326722.6), dbSNP rs752152483, ClinGen allele CA3733444.
Genomic context (GRCh38, chr6:32,049,348, plus strand): 5'-ACACTGGGCCCACGCGCTGCCCCTCGTGGAGGCCGTACAGATGCATCTTGTATTTGCGCC[C>T]GGGCTCCAGGCCCCCCACGGTGACCTCGCTCTCCTCGCCCCTGACACGCACCACCTGGGG-3'
Protein context (NP_001352205.1, residues 3217-3237): SEVTVGGLEP[Gly3227Arg]RKYKMHLYGL

ClinVar aggregate classification (germline): Conflicting classifications of pathogenicity. Review status: criteria provided, conflicting classifications (1 of 4 stars). 2 submissions from 2 submitters: Uncertain significance (1); Likely benign (1). Last evaluated 2025-05-02.

Conditions:
Cardiovascular phenotype. Identifiers: MedGen CN230736.

Allele frequency attached by ClinVar (database versions not stated): gnomAD 0.00003; gnomAD exomes 0.00003 and 0.00004; TOPMed 0.00003; ExAC 0.00003.
gnomAD v4.1: 54 of 1,612,340 alleles (0.0033%); highest among the groups gnomAD compares: Non-Finnish European, 0.0042%; no homozygotes.

Submissions (2):

Ambry Genetics
Classification: Likely benign for Cardiovascular phenotype. Last evaluated: 2025-05-02. Review status: criteria provided, single submitter. Criteria: Ambry Variant Classification Scheme 2023. Collection method: clinical testing. Allele origin: germline.

GeneDx
Classification: Uncertain significance. Last evaluated: 2021-05-27. Review status: criteria provided, single submitter. Criteria: GeneDx Variant Classification Process June 2021. Collection method: clinical testing. Allele origin: germline. Affected: yes.
Comment: Has not been previously published as pathogenic or benign to our knowledge; In silico analysis supports that this missense variant has a deleterious effect on protein structure/function